The following is an entry in ClinVar:

NM_001042492.3(NF1):c.3453C>T (p.Asn1151=)

Gene: NF1 (neurofibromin 1; plus strand). Cytogenetic location: 17q11.2.
Variant type: single nucleotide variant.
Coding change: c.3453C>T on transcript NM_001042492.3 (MANE Select); coding-DNA position 3453, C replaced by T.
Protein change: p.Asn1151=; no amino-acid change (asparagine 1151 retained).
Molecular consequence: synonymous variant.
Genome position (GRCh38, 1-based): chr17:31,232,838, C>T. VCF-style: chr17-31232838-C-T. GRCh37 (hg19) VCF-style: chr17-29559856-C-T.
Other names: c.3453C>T, p.Asn1151= (NM_000267.4).
Identifiers: ClinVar variation 1083270 (VCV001083270.10), dbSNP rs2151434768, ClinGen allele CA499232391.

ClinVar aggregate classification (germline): Benign/Likely benign. Review status: criteria provided, multiple submitters, no conflicts (2 of 4 stars). 3 submissions from 3 submitters: Benign (1); Likely benign (2). Last evaluated 2026-09-23.

Conditions:
Cardiovascular phenotype. Identifiers: MedGen CN230736.
Hereditary cancer-predisposing syndrome. Also called: Hereditary Cancer Syndrome; Hereditary neoplastic syndrome; Neoplastic Syndromes, Hereditary; Tumor predisposition. Identifiers: Orphanet 140162, MedGen C0027672, MeSH D009386, MONDO:0015356.
Neurofibromatosis, type 1 (NF1). Also called: Neurofibromatosis, type I; VON RECKLINGHAUSEN DISEASE; Peripheral type neurofibromatosis; NEUROFIBROMATOSIS, TYPE I, SOMATIC. Identifiers: Orphanet 636, MedGen C0027831, MONDO:0018975, OMIM 162200. Disease mechanism: loss of function.

Submissions (3):

Myriad Genetics, Inc.
Classification: Benign for Neurofibromatosis, type 1. Last evaluated: 2026-09-23. Review status: criteria provided, single submitter. Criteria: Myriad Autosomal Dominant, Autosomal Recessive and X-Linked Classification Criteria (2023). Collection method: clinical testing. Allele origin: unknown.
Comment: This variant is considered benign. This variant is a silent/synonymous amino acid change and it is not expected to impact splicing.

Labcorp Genetics (formerly Invitae), Labcorp
Classification: Likely benign for Neurofibromatosis, type 1. Last evaluated: 2024-12-26. Review status: criteria provided, single submitter. Criteria: Invitae Variant Classification Sherloc (09022015). Collection method: clinical testing. Allele origin: germline.

Ambry Genetics
Classification: Likely benign for Cardiovascular phenotype; Hereditary cancer-predisposing syndrome. Last evaluated: 2021-07-07. Review status: criteria provided, single submitter. Criteria: Ambry Variant Classification Scheme 2023. Collection method: clinical testing. Allele origin: germline.